The following is an entry in ClinVar:

ClinVar aggregate classification (germline): Pathogenic. Review status: criteria provided, multiple submitters, no conflicts (2 of 4 stars). 14 submissions from 13 submitters: Pathogenic (10). 4 of the submissions do not count toward it. Last evaluated 2026-01-01.

Conditions:
Diabetes mellitus, permanent neonatal 2. Also called: KCNJ11-Related Permanent Neonatal Diabetes Mellitus. Identifiers: MedGen C5394296, MONDO:0030087, OMIM 618856.
KCNJ11-related disorder. Also called: KCNJ11-related disorders; KCNJ11-related condition.
Neonatal diabetes mellitus (NDM). Identifiers: Orphanet 224, MedGen C0158981, MONDO:0016391.
Permanent neonatal diabetes mellitus (PNDM). Identifiers: Orphanet 99885, MedGen C1833104, MONDO:0100164, MONDO:0011643. Disease mechanism: gain of function.
Diabetes mellitus, transient neonatal, 3 (TNDM3). Identifiers: Orphanet 99886, MedGen C1864623, MONDO:0012522, OMIM 610582. Disease mechanism: loss of function.
Neonatal insulin-dependent diabetes mellitus. Identifiers: MedGen C3278636, HP:0000857.
Hyperinsulinemia. Also called: Hyperinsulinism. Identifiers: MedGen C0020459, MONDO:0002177, HP:0000842.

Submissions (14):

Genomic Medicine Center of Excellence, King Faisal Specialist Hospital and Research Centre
Classification: Pathogenic for Permanent Neonatal Diabetes Mellitus. Last evaluated: 2026-01-01. Review status: criteria provided, single submitter. Criteria: ACMG Guidelines, 2015. Collection method: clinical testing. Allele origin: germline. Affected: yes.

GeneDx
Classification: Pathogenic. Last evaluated: 2024-05-02. Review status: criteria provided, single submitter. Criteria: GeneDx Variant Classification Process June 2021. Collection method: clinical testing. Allele origin: germline. Affected: yes.
Comment: Published in vitro functional studies suggest a damaging effect due to reduced ATP sensitivity leading to a loss of insulin secretion in response to metabolic stimulation (Tarasov et al., 2006); Not observed at significant frequency in large population cohorts (gnomAD); In silico analysis supports that this missense variant has a deleterious effect on protein structure/function; This variant is associated with the following publications: (PMID: 16205880, 34566892, 16339180, 20220270, 25308342, 20466780, 20540435, 21352428, 26839896, 23434183, 23959658, 15838686, 15531505, 28460053, 16670688, 25028140, 18924582, 28480665, 19345438, 19500515, 18548275, 19247925, 32792356, 32418263, 33837025, 33240318, 30094785, 15115830, 16731837, 23462667, 16087682, 24622368, 17065345, 32893419, 33663443, 33885251, 36418577, 34671977, 37251668)

Labcorp Genetics (formerly Invitae), Labcorp
Classification: Pathogenic. Last evaluated: 2024-04-17. Review status: criteria provided, single submitter. Criteria: Invitae Variant Classification Sherloc (09022015). Collection method: clinical testing. Allele origin: germline.
Comment: This sequence change replaces arginine, which is basic and polar, with histidine, which is basic and polar, at codon 201 of the KCNJ11 protein (p.Arg201His). This variant is not present in population databases (gnomAD no frequency). This missense change has been observed in individual(s) with neonatal diabetes (PMID: 15115830, 15531505, 15838686, 16670688, 24622368). In at least one individual the variant was observed to be de novo. ClinVar contains an entry for this variant (Variation ID: 8666). Advanced modeling of protein sequence and biophysical properties (such as structural, functional, and spatial information, amino acid conservation, physicochemical variation, residue mobility, and thermodynamic stability) performed at Invitae indicates that this missense variant is expected to disrupt KCNJ11 protein function with a positive predictive value of 95%. Experimental studies have shown that this missense change affects KCNJ11 function (PMID: 15115830). This variant disrupts the p.Arg201 amino acid residue in KCNJ11. Other variant(s) that disrupt this residue have been determined to be pathogenic (PMID: 15115830, 22768671, 26958039, 27681997). This suggests that this residue is clinically significant, and that variants that disrupt this residue are likely to be disease-causing. For these reasons, this variant has been classified as Pathogenic.

Blueprint Genetics
Classification: Pathogenic for KCNJ11-related disorders. Last evaluated: 2020-12-30. Review status: criteria provided, single submitter. Criteria: ACMG Guidelines, 2015. Collection method: clinical testing. Allele origin: germline. Affected: yes. Observed: 1 variant allele.

Athena Diagnostics
Classification: Pathogenic. Last evaluated: 2020-08-25. Review status: criteria provided, single submitter. Criteria: Athena Diagnostics Criteria. Collection method: clinical testing. Allele origin: unknown.
Comment: This variant has not been reported in large, multi-ethnic general populations (Genome Aggregation Database (gnomAD), Cambridge, MA (URL)). This variant has been confirmed to occur de novo in multiple individuals with clinical features associated with this gene. Additionally, there is evidence that this variant segregates with disease in multiple families. Assessment of experimental evidence suggests this variant results in abnormal protein function. Experiment showed reduced sensitivity to ATP (PMID:15718250).

Greenwood Genetic Center Diagnostic Laboratories, Greenwood Genetic Center
Classification: Pathogenic. Last evaluated: 2020-08-11. Review status: criteria provided, single submitter. Criteria: ACMG Guidelines, 2015. Collection method: clinical testing. Allele origin: germline. Affected: yes.

Revvity Omics, Revvity
Classification: Pathogenic. Last evaluated: 2019-12-02. Review status: criteria provided, single submitter. Criteria: ACMG Guidelines, 2015. Collection method: clinical testing. Allele origin: germline.

Genetic Services Laboratory, University of Chicago
Classification: Pathogenic for neonatal insulin-dependent diabetes mellitus. Last evaluated: 2013-05-03. Review status: criteria provided, single submitter. Criteria: ACMG Guidelines, 2007. Collection method: clinical testing. Allele origin: germline. Inheritance: Autosomal unknown. Affected: yes.

Molecular Genetics, Madras Diabetes Research Foundation
Classification: Pathogenic for Neonatal diabetes mellitus. Review status: criteria provided, single submitter. Criteria: ACMG Guidelines, 2015. Collection method: clinical testing. Allele origin: germline. Affected: yes.

Neuberg Centre For Genomic Medicine, NCGM
Classification: Pathogenic for Diabetes mellitus, permanent neonatal 2. Review status: criteria provided, single submitter. Criteria: ACMG Guidelines, 2015. Collection method: clinical testing. Allele origin: germline. Inheritance: Autosomal dominant inheritance. Affected: yes.
Comment: The c.602G>A (p.Arg201His) missense variant in KCNJ11 gene has been reported in individual(s) with neonatal diabetes (Gloyn et al., 2006). In at least one individual the variant was observed to be de novo. Experimental studies have shown that this missense change affects KCNJ11 function (Gloynet al., 2004). This variant disrupts the p.Arg201Cys amino acid residue in KCNJ11. The p.Arg201His variant is novel (not in any individuals) in 1000 Genomes. This variant has been reported to the ClinVar database as Pathogenic. The amino acid Arg at position 201 is changed to a His changing protein sequence and it might alter its composition and physico-chemical properties. The amino acid change p.Arg201His in KCNJ11 is predicted as conserved by GERP++ and PhyloP across 100 vertebrates. For these reasons, this variant has been classified as likely Pathogenic.

OMIM
Classification: Pathogenic for DIABETES MELLITUS, PERMANENT NEONATAL, 2. Last evaluated: 2006-07-01. Review status: no assertion criteria provided. Collection method: literature only. Allele origin: germline. Not counted in ClinVar's aggregate classification.

OMIM
Classification: Pathogenic for DIABETES MELLITUS, TRANSIENT NEONATAL, 3. Last evaluated: 2006-07-01. Review status: no assertion criteria provided. Collection method: literature only. Allele origin: germline. Not counted in ClinVar's aggregate classification.

GeneReviews
No classification provided. Condition: Permanent neonatal diabetes mellitus. Review status: no classification provided. Collection method: literature only. Allele origin: unknown. Not counted in ClinVar's aggregate classification.

Clinical Genomics, Uppaluri K&H Personalized Medicine Clinic
Classification: Uncertain significance for Hyperinsulinemia. Review status: flagged submission. Criteria: K & H Uppaluri Personalized Medicine Clinic Variant Classification & Assertion Criteria_Updated V.1. Collection method: research. Allele origin: somatic. Inheritance: Autosomal dominant inheritance. Not counted in ClinVar's aggregate classification.
Comment: Mutations in KCNJ11 gene can generally cause decreased production and secretion of insulin. This can lead to MODY. However, this particular variant (rs80356624) prevalence is seen in congenital hyperinsulinism and no sufficient evidence is seen to ascertain its significance in MODY yet.
ClinVar note: Reason: Outlier claim with insufficient supporting evidence

Literature cited by the submitters: PubMed 15115830 (cited by 4 submitters); PubMed 15531505 (cited by Labcorp Genetics (formerly Invitae), Labcorp); PubMed 15838686 (cited by Labcorp Genetics (formerly Invitae), Labcorp); PubMed 16670688 (cited by 4 submitters); PubMed 24622368 (cited by Labcorp Genetics (formerly Invitae), Labcorp); PubMed 22768671 (cited by Labcorp Genetics (formerly Invitae), Labcorp); PubMed 26958039 (cited by Labcorp Genetics (formerly Invitae), Labcorp); PubMed 27681997 (cited by Labcorp Genetics (formerly Invitae), Labcorp); PubMed 15448106 (cited by Athena Diagnostics); PubMed 15718250 (cited by Athena Diagnostics); PubMed 16609879 (cited by Athena Diagnostics); PubMed 16731837 (cited by Athena Diagnostics); PubMed 16885550 (cited by Athena Diagnostics); PubMed 17065345 (cited by Athena Diagnostics); PubMed 17327377 (cited by Athena Diagnostics); PubMed 17475937 (cited by Athena Diagnostics); PubMed 17490422 (cited by Athena Diagnostics); PubMed 17491708 (cited by Athena Diagnostics); PubMed 17635943 (cited by Athena Diagnostics); PubMed 17901525 (cited by Athena Diagnostics); PubMed 18662362 (cited by Athena Diagnostics); PubMed 20220270 (cited by Athena Diagnostics); PubMed 20466780 (cited by Athena Diagnostics); PubMed 25308342 (cited by Athena Diagnostics); PubMed 26839896 (cited by Athena Diagnostics); PubMed 28480665 (cited by Athena Diagnostics); PubMed 32893419 (cited by Molecular Genetics, Madras Diabetes Research Foundation); PubMed 12524280 (cited by OMIM and GeneReviews); PubMed 15583126 (cited by OMIM and GeneReviews); PubMed 16205880 (cited by OMIM); PubMed 16123337 (cited by GeneReviews); PubMed 16416420 (cited by GeneReviews); PubMed 20301620 (cited by GeneReviews); NCBI Bookshelf NBK1447 (cited by GeneReviews); PubMed 33987715 (cited by Clinical Genomics, Uppaluri K&H Personalized Medicine Clinic).

NM_000525.4(KCNJ11):c.602G>A (p.Arg201His)

Gene: KCNJ11 (potassium inwardly rectifying channel subfamily J member 11; minus strand). Cytogenetic location: 11p15.1.
Variant type: single nucleotide variant.
Coding change: c.602G>A on transcript NM_000525.4 (MANE Select); coding-DNA position 602, G replaced by A.
Protein change: p.Arg201His; replaces arginine 201 with histidine.
Molecular consequence: missense variant.
Genome position (GRCh38, 1-based): chr11:17,387,490, C>T on the plus strand (G>A on the coding strand, the complement: KCNJ11 is on the minus strand). VCF-style: chr11-17387490-C-T. GRCh37 (hg19) VCF-style: chr11-17409037-C-T.
Other names: c.341G>A, p.Arg114His (NM_001166290.2, NM_001377296.1, NM_001377297.1); short protein forms R201H, R114H.
Identifiers: ClinVar variation 8666 (VCV000008666.31), dbSNP rs80356624, ClinGen allele CA119821.